The following is an entry in ClinVar:

ClinVar aggregate classification (germline): Conflicting classifications of pathogenicity. Review status: criteria provided, conflicting classifications (1 of 4 stars). 3 submissions from 3 submitters: Likely pathogenic (1); Uncertain significance (2). Last evaluated 2025-09-24.

Conditions:
Familial hypocalciuric hypercalcemia 1. Also called: Hypercalcemia, familial benign type 1. Identifiers: Orphanet 405, Orphanet 93372, MedGen C0342637, MONDO:0007791, OMIM 145980.
Familial hypocalciuric hypercalcemia (FHH). Also called: Familial benign hypercalcemia. Identifiers: Orphanet 405, MedGen C1809471, MONDO:0018458.
Autosomal dominant hypocalcemia 1 (HYPOC1). Also called: HYPOCALCEMIA, FAMILIAL. Identifiers: MedGen C3715128, MONDO:0011013, OMIM 601198.

Submissions (3):

Genesolutions, Medical Genetics Institutes, Ho Chi Minh City, Vietnam
Classification: Likely pathogenic for Familial hypocalciuric hypercalcemia 1. Last evaluated: 2025-09-24. Review status: criteria provided, single submitter. Criteria: ACMG Guidelines, 2015. Collection method: clinical testing. Allele origin: germline. Affected: yes.

Labcorp Genetics (formerly Invitae), Labcorp
Classification: Uncertain significance for Familial hypocalciuric hypercalcemia; Autosomal dominant hypocalcemia 1. Last evaluated: 2024-04-02. Review status: criteria provided, single submitter. Criteria: Invitae Variant Classification Sherloc (09022015). Collection method: clinical testing. Allele origin: germline.
Comment: This sequence change replaces proline, which is neutral and non-polar, with threonine, which is neutral and polar, at codon 559 of the CASR protein (p.Pro559Thr). This variant is not present in population databases (gnomAD no frequency). This variant has not been reported in the literature in individuals affected with CASR-related conditions. An algorithm developed to predict the effect of missense changes on protein structure and function (PolyPhen-2) suggests that this variant is likely to be disruptive. In summary, the available evidence is currently insufficient to determine the role of this variant in disease. Therefore, it has been classified as a Variant of Uncertain Significance.

Blueprint Genetics
Classification: Uncertain significance. Last evaluated: 2019-09-24. Review status: criteria provided, single submitter. Criteria: ACMG Guidelines, 2015. Collection method: clinical testing. Allele origin: germline.

NM_000388.4(CASR):c.1675C>A (p.Pro559Thr)

Gene: CASR (calcium sensing receptor; plus strand). Cytogenetic location: 3q21.1.
Variant type: single nucleotide variant.
Coding change: c.1675C>A on transcript NM_000388.4 (MANE Select); coding-DNA position 1675, C replaced by A.
Protein change: p.Pro559Thr; replaces proline 559 with threonine.
Molecular consequence: missense variant.
Genome position (GRCh38, 1-based): chr3:122,282,179, C>A. VCF-style: chr3-122282179-C-A. GRCh37 (hg19) VCF-style: chr3-122001026-C-A.
Other names: c.1705C>A, p.Pro569Thr (NM_001178065.2); short protein forms P559T, P569T.
Identifiers: ClinVar variation 3755630 (VCV003755630.4).